The following is an entry in ClinVar:

NM_030632.3(ASXL3):c.6282T>G (p.Cys2094Trp)

Gene: ASXL3 (ASXL transcriptional regulator 3; plus strand). Cytogenetic location: 18q12.1.
Variant type: single nucleotide variant.
Coding change: c.6282T>G on transcript NM_030632.3 (MANE Select); coding-DNA position 6282, T replaced by G.
Protein change: p.Cys2094Trp; replaces cysteine 2094 with tryptophan.
Molecular consequence: missense variant.
Genome position (GRCh38, 1-based): chr18:33,746,130, T>G. VCF-style: chr18-33746130-T-G. GRCh37 (hg19) VCF-style: chr18-31326094-T-G.
Other names: short protein forms C2094W.
Identifiers: ClinVar variation 3061359 (VCV003061359.2), dbSNP rs2510934397, ClinGen allele CA402196523.

ClinVar aggregate classification (germline): Uncertain significance (0 of 4 stars; one submission).

Conditions:
ASXL3-related disorder. Also called: ASXL3-related condition. Identifiers: MedGen CN381524.

Submission:

PreventionGenetics, part of Exact Sciences
Classification: Uncertain significance for ASXL3-related condition. Last evaluated: 2024-01-24. Review status: no assertion criteria provided. Collection method: clinical testing. Allele origin: germline.
Comment: The ASXL3 c.6282T>G variant is predicted to result in the amino acid substitution p.Cys2094Trp. To our knowledge, this variant has not been reported in the literature or in a large population database, indicating this variant is rare. At this time, the clinical significance of this variant is uncertain due to the absence of conclusive functional and genetic evidence.